The following is an entry in ClinVar:

ClinVar aggregate classification (germline): Conflicting classifications of pathogenicity. Review status: criteria provided, conflicting classifications (1 of 4 stars). 9 submissions from 9 submitters: Uncertain significance (1); Benign (2); Likely benign (5). 1 of the submissions does not count toward it. Last evaluated 2026-01-27.

Conditions:
RAD51D-related disorder. Also called: RAD51D-related condition.
Hereditary cancer-predisposing syndrome. Also called: Tumor predisposition; Neoplastic Syndromes, Hereditary; Hereditary neoplastic syndrome; Hereditary Cancer Syndrome. Identifiers: Orphanet 140162, MedGen C0027672, MeSH D009386, MONDO:0015356.
Breast-ovarian cancer, familial, susceptibility to, 4. Identifiers: Orphanet 145, MedGen C3280345, MONDO:0013669, OMIM 614291.
Breast and/or ovarian cancer. Identifiers: MedGen CN221562.

Allele frequency attached by ClinVar (database versions not stated): ExAC 0.00002; gnomAD exomes 0.00004; TOPMed 0.00004; gnomAD 0.00005.

Submissions (9):

Labcorp Genetics (formerly Invitae), Labcorp
Classification: Likely benign for Breast-ovarian cancer, familial, susceptibility to, 4. Last evaluated: 2026-01-27. Review status: criteria provided, single submitter. Criteria: Invitae Variant Classification Sherloc (09022015). Collection method: clinical testing. Allele origin: germline.

Women's Health and Genetics/Laboratory Corporation of America, LabCorp
Classification: Likely benign. Last evaluated: 2025-07-25. Review status: criteria provided, single submitter. Criteria: LabCorp Variant Classification Summary - May 2015. Collection method: clinical testing. Allele origin: germline.
Comment: Variant summary: RAD51D c.346-10C>T alters a non-conserved nucleotide located at a position not widely known to affect splicing. Consensus agreement among computation tools predict no significant impact on normal splicing. However, these predictions have yet to be confirmed by functional studies. The variant allele was found at a frequency of 3.6e-05 in 251238 control chromosomes. The available data on variant occurrences in the general population are insufficient to allow any conclusion about variant significance. The c.346-10C>T variant has been observed in the presumed heterozygous state in at least 1 individual affected with Hereditary Breast And Ovarian Cancer Syndrome (example, Loveday_2011), without strong evidence for causality. To our knowledge, no experimental evidence demonstrating its impact on protein function has been reported. The following publication have been ascertained in the context of this evaluation (PMID: 21822267). ClinVar contains an entry for this variant (Variation ID: 416203). Based on the evidence outlined above, the variant was classified as likely benign.

Myriad Genetics, Inc.
Classification: Benign for Breast-ovarian cancer, familial, susceptibility to, 4. Last evaluated: 2024-12-13. Review status: criteria provided, single submitter. Criteria: Myriad Autosomal Dominant, Autosomal Recessive and X-Linked Classification Criteria (2023). Collection method: clinical testing. Allele origin: unknown.
Comment: This variant is considered benign. This variant is intronic and is not expected to impact mRNA splicing. This variant is strongly associated with less severe personal and family histories of cancer, typical for individuals without pathogenic variants in this gene [PMID: 25085752].

CHEO Genetics Diagnostic Laboratory, Children's Hospital of Eastern Ontario
Classification: Uncertain significance for Breast and/or ovarian cancer. Last evaluated: 2023-06-12. Review status: criteria provided, single submitter. Criteria: ACMG Guidelines, 2015. Collection method: clinical testing. Allele origin: germline.

Sema4
Classification: Likely benign for Hereditary cancer-predisposing syndrome. Last evaluated: 2021-03-27. Review status: criteria provided, single submitter. Criteria: Sema4 Curation Guidelines. Collection method: curation. Allele origin: germline.

Quest Diagnostics Nichols Institute San Juan Capistrano
Classification: Likely benign. Last evaluated: 2020-03-19. Review status: criteria provided, single submitter. Criteria: Quest Diagnostics criteria. Collection method: clinical testing. Allele origin: unknown.

GeneDx
Classification: Benign. Last evaluated: 2015-08-14. Review status: criteria provided, single submitter. Criteria: GeneDx Variant Classification Process June 2021. Collection method: clinical testing. Allele origin: germline. Affected: yes.

Color Diagnostics, LLC DBA Color Health
Classification: Likely benign for Hereditary cancer-predisposing syndrome. Last evaluated: 2015-05-18. Review status: criteria provided, single submitter. Criteria: ACMG Guidelines, 2015. Collection method: clinical testing. Allele origin: germline.

PreventionGenetics, part of Exact Sciences
Classification: Likely benign for RAD51D-related condition. Last evaluated: 2019-04-05. Review status: no assertion criteria provided. Collection method: clinical testing. Allele origin: germline. Not counted in ClinVar's aggregate classification.
Comment: This variant is classified as likely benign based on ACMG/AMP sequence variant interpretation guidelines (Richards et al. 2015 PMID: 25741868, with internal and published modifications).

Literature cited by the submitters: PubMed 21822267 (cited by Women's Health and Genetics/Laboratory Corporation of America, LabCorp); PubMed 25085752 (cited by Myriad Genetics, Inc.).

NM_002878.4(RAD51D):c.346-10C>T

Genes: RAD51D (RAD51 paralog D; minus strand), RAD51L3-RFFL (RAD51L3-RFFL readthrough; minus strand). Cytogenetic location: 17q12.
Variant type: single nucleotide variant.
Coding change: c.346-10C>T on transcript NM_002878.4 (MANE Select); 10 bases into the intron before coding-DNA position 346, C replaced by T.
Molecular consequence: intron variant.
Genome position (GRCh38, 1-based): chr17:35,107,132, G>A on the plus strand (C>T on the coding strand, the complement: RAD51D is on the minus strand). VCF-style: chr17-35107132-G-A. GRCh37 (hg19) VCF-style: chr17-33434151-G-A.
Other names: c.145-651C>T (NM_133629.3); c.406-10C>T (NM_001142571.2).
Identifiers: ClinVar variation 416203 (VCV000416203.22), dbSNP rs779972784, ClinGen allele CA8499493.
Genomic context (GRCh38, chr17:35,107,132, plus strand): 5'-GACGTTTTGCTGCAGGCCATGGGCCACATTTGCTGCCATACAGAGACATACCTGGGGGTG[G>A]GGGCATTGGATGAACTTGACACTTCAGAGAGGGTCCAGATGGGAGCTCCCCACCAAACCT-3'